The following is an entry in ClinVar:

ClinVar aggregate classification (germline): Uncertain significance (1 of 4 stars; one submission).

Submission:

Women's Health and Genetics/Laboratory Corporation of America, LabCorp
Classification: Uncertain significance. Last evaluated: 2025-09-22. Review status: criteria provided, single submitter. Criteria: LabCorp Variant Classification Summary - May 2015. Collection method: clinical testing. Allele origin: germline.
Comment: Variant summary: The variant involves the duplication of exons 2-10 in the MID1 gene. A presumed nomenclature of c.(-57+1_-56-1)_(*3813_?)dup has been designated for the purposes of this classification. This duplication includes the entire coding sequence of the gene. As exact breakpoints are unknown, it may extend beyond the annotated region of the gene, to include other flanking genes. The variant was absent in 16115 control chromosomes. The available data on variant occurrences in the general population are insufficient to allow any conclusion about variant significance. To our knowledge, no occurrence of c.(-57+1_-56-1)_(*3813_?)dup in individuals affected with MID1-related conditions and no experimental evidence demonstrating its impact on protein function have been reported. No submitters have cited clinical-significance assessments for this variant to ClinVar. Based on the evidence outlined above, the variant was classified as uncertain significance.

NC_000023.10:g.(?_10413595)_(10535644_10588329)dup

Gene: MID1 (midline 1; minus strand). Cytogenetic location: Xp22.2.
Variant type: Duplication.
Identifiers: ClinVar variation 4536092 (VCV004536092.1).